The following is an entry in ClinVar:

ClinVar aggregate classification (germline): Conflicting classifications of pathogenicity. Review status: criteria provided, conflicting classifications (1 of 4 stars). 7 submissions from 6 submitters: Uncertain significance (1); Benign (1); Likely benign (5). Last evaluated 2026-09-01.

Conditions:
MYH9-related disorder. Identifiers: MedGen C1854520.
Autosomal dominant nonsyndromic hearing loss 17. Also called: Autosomal dominant nonsyndromic deafness 17; Deafness, autosomal dominant 17. Identifiers: Orphanet 90635, MedGen C1863659, MONDO:0011350, OMIM 603622.

Allele frequency attached by ClinVar (database versions not stated): 1000 Genomes Project 0.00060; 1000 Genomes Project 30x 0.00062; TOPMed 0.00068; ESP Exome Variant Server 0.00069; ExAC 0.00080; gnomAD 0.00080 and 0.00081; gnomAD exomes 0.00080 and 0.00108.
gnomAD v4.1: 1,703 of 1,612,744 alleles (0.11%); highest among the groups gnomAD compares: Non-Finnish European, 0.13%; 1 homozygote.

Submissions (7):

CeGaT Center for Human Genetics Tuebingen
Classification: Likely benign. Last evaluated: 2026-09-01. Review status: criteria provided, single submitter. Criteria: CeGaT Center For Human Genetics Tuebingen Variant Classification Criteria Version 2. Collection method: clinical testing. Allele origin: germline. Affected: yes. Observed: 3 variant alleles.
Comment: MYH9: BS1

Mayo Clinic Laboratories, Mayo Clinic
Classification: Likely benign. Last evaluated: 2025-01-13. Review status: criteria provided, single submitter. Criteria: ACMG Guidelines, 2015. Collection method: clinical testing. Allele origin: germline. Observed: 1 variant allele.
Comment: BS2, BP7

Blueprint Genetics
Classification: Likely benign. Last evaluated: 2024-10-21. Review status: criteria provided, single submitter. Criteria: ACMG Guidelines, 2015. Collection method: clinical testing. Allele origin: germline.

GeneDx
Classification: Likely benign. Last evaluated: 2020-12-03. Review status: criteria provided, single submitter. Criteria: GeneDx Variant Classification Process June 2021. Collection method: clinical testing. Allele origin: germline. Affected: yes.

Illumina Laboratory Services, Illumina
Classification: Benign for MYH9-related disorder. Last evaluated: 2018-01-13. Review status: criteria provided, single submitter. Criteria: ICSL Variant Classification Criteria 13 December 2019. Collection method: clinical testing. Allele origin: germline.
Comment: This variant was observed in the ICSL laboratory as part of a predisposition screen in an ostensibly healthy population. It had not been previously curated by ICSL or reported in the Human Gene Mutation Database (HGMD: prior to June 1st, 2018), and was therefore a candidate for classification through an automated scoring system. Utilizing variant allele frequency, disease prevalence and penetrance estimates, and inheritance mode, an automated score was calculated to assess if this variant is too frequent to cause the disease. Based on the score and internal cut-off values, a variant classified as benign is not then subjected to further curation. The score for this variant resulted in a classification of benign for this disease.

Illumina Laboratory Services, Illumina
Classification: Likely benign for Autosomal dominant nonsyndromic hearing loss 17. Last evaluated: 2018-01-13. Review status: criteria provided, single submitter. Criteria: ICSL Variant Classification Criteria 13 December 2019. Collection method: clinical testing. Allele origin: germline.
Comment: This variant was observed in the ICSL laboratory as part of a predisposition screen in an ostensibly healthy population. It had not been previously curated by ICSL or reported in the Human Gene Mutation Database (HGMD: prior to June 1st, 2018), and was therefore a candidate for classification through an automated scoring system. Utilizing variant allele frequency, disease prevalence and penetrance estimates, and inheritance mode, an automated score was calculated to assess if this variant is too frequent to cause the disease. Based on the score and internal cut-off values, a variant classified as likely benign is not then subjected to further curation. The score for this variant resulted in a classification of likely benign for this disease.

Laboratory for Molecular Medicine, Mass General Brigham Personalized Medicine
Classification: Uncertain significance. Last evaluated: 2016-06-30. Review status: criteria provided, single submitter. Criteria: LMM Criteria. Collection method: clinical testing. Allele origin: germline. Observed: 2 variant alleles.
Comment: Variant classified as Uncertain Significance - Favor Benign.

NM_002473.6(MYH9):c.*8C>T

Gene: MYH9 (myosin heavy chain 9; minus strand). Cytogenetic location: 22q12.3.
Variant type: single nucleotide variant.
Coding change: c.*8C>T on transcript NM_002473.6 (MANE Select); 8 bases downstream of the stop codon, C replaced by T.
Molecular consequence: 3 prime UTR variant.
Genome position (GRCh38, 1-based): chr22:36,282,660, G>A on the plus strand (C>T on the coding strand, the complement: MYH9 is on the minus strand). VCF-style: chr22-36282660-G-A. GRCh37 (hg19) VCF-style: chr22-36678706-G-A.
Other names: c.*8C>T (NM_002473.5).
Identifiers: ClinVar variation 228922 (VCV000228922.37), dbSNP rs201455315, ClinGen allele CA10208880.
Genomic context (GRCh38, chr22:36,282,660, plus strand): 5'-GCGGGGTCTGGGAAGGGGAGGCTGTGGTGTCTGTCTGTCCATCCATCTCAGGCTGCAGGA[G>A]AAGAGGCTTATTCGGCAGGTTTGGCCTCAGCCCCATCCGCTTTGCCATCTACCTCTTCGT-3'